The following is an entry in ClinVar:

ClinVar aggregate classification (germline): Uncertain significance. Review status: criteria provided, multiple submitters, no conflicts (2 of 4 stars). 2 submissions from 2 submitters: Uncertain significance (2). Last evaluated 2023-09-11.

Conditions:
Ataxia-telangiectasia-like disorder (ATLD). Identifiers: MedGen C1858391, MONDO:0011457.
Hereditary cancer-predisposing syndrome. Also called: Tumor predisposition; Hereditary neoplastic syndrome; Neoplastic Syndromes, Hereditary; Hereditary Cancer Syndrome. Identifiers: Orphanet 140162, MedGen C0027672, MeSH D009386, MONDO:0015356.

Allele frequency attached by ClinVar (database versions not stated): gnomAD exomes below 0.00001.
gnomAD v4.1: 1 of 1,614,036 alleles (0.000062%); highest among the groups gnomAD compares: Non-Finnish European, 0.000085%; no homozygotes.

Submissions (2):

Ambry Genetics
Classification: Uncertain significance for Hereditary cancer-predisposing syndrome. Last evaluated: 2023-09-11. Review status: criteria provided, single submitter. Criteria: Ambry Variant Classification Scheme 2023. Collection method: clinical testing. Allele origin: germline.
Comment: The p.E456K variant (also known as c.1366G>A), located in coding exon 12 of the MRE11A gene, results from a G to A substitution at nucleotide position 1366. The glutamic acid at codon 456 is replaced by lysine, an amino acid with similar properties. This amino acid position is not well conserved in available vertebrate species. In addition, this alteration is predicted to be tolerated by in silico analysis. Since supporting evidence is limited at this time, the clinical significance of this alteration remains unclear.

Labcorp Genetics (formerly Invitae), Labcorp
Classification: Uncertain significance for Ataxia-telangiectasia-like disorder. Last evaluated: 2021-05-12. Review status: criteria provided, single submitter. Criteria: Invitae Variant Classification Sherloc (09022015). Collection method: clinical testing. Allele origin: germline.
Comment: In summary, the available evidence is currently insufficient to determine the role of this variant in disease. Therefore, it has been classified as a Variant of Uncertain Significance. Algorithms developed to predict the effect of missense changes on protein structure and function (SIFT, PolyPhen-2, Align-GVGD) all suggest that this variant is likely to be tolerated, but these predictions have not been confirmed by published functional studies and their clinical significance is uncertain. This variant has not been reported in the literature in individuals with MRE11-related conditions. ClinVar contains an entry for this variant (Variation ID: 819015). This variant is not present in population databases (ExAC no frequency). This sequence change replaces glutamic acid with lysine at codon 456 of the MRE11 protein (p.Glu456Lys). The glutamic acid residue is moderately conserved and there is a small physicochemical difference between glutamic acid and lysine.

NM_005591.4(MRE11):c.1366G>A (p.Glu456Lys)

Gene: MRE11 (MRE11 double strand break repair nuclease; minus strand). Cytogenetic location: 11q21.
Variant type: single nucleotide variant.
Coding change: c.1366G>A on transcript NM_005591.4 (MANE Select); coding-DNA position 1366, G replaced by A.
Protein change: p.Glu456Lys; replaces glutamic acid 456 with lysine.
Molecular consequence: missense variant.
Genome position (GRCh38, 1-based): chr11:94,459,542, C>T on the plus strand (G>A on the coding strand, the complement: MRE11 is on the minus strand). VCF-style: chr11-94459542-C-T. GRCh37 (hg19) VCF-style: chr11-94192708-C-T.
Other names: c.1366G>A, p.Glu456Lys (NM_001330347.2, NM_005590.4); short protein forms E456K.
Identifiers: ClinVar variation 819015 (VCV000819015.12), dbSNP rs1591672636, ClinGen allele CA382371978.